The following is an entry in ClinVar:

NM_000540.3(RYR1):c.14668G>A (p.Val4890Met)

Gene: RYR1 (ryanodine receptor 1; plus strand). Cytogenetic location: 19q13.2.
Variant type: single nucleotide variant.
Coding change: c.14668G>A on transcript NM_000540.3 (MANE Select); coding-DNA position 14668, G replaced by A.
Protein change: p.Val4890Met; replaces valine 4890 with methionine.
Molecular consequence: missense variant.
Genome position (GRCh38, 1-based): chr19:38,584,964, G>A. VCF-style: chr19-38584964-G-A. GRCh37 (hg19) VCF-style: chr19-39075604-G-A.
Other names: c.14653G>A, p.Val4885Met (NM_001042723.2); short protein forms V4885M, V4890M.
Identifiers: ClinVar variation 3070173 (VCV003070173.5), dbSNP rs1974402863, ClinGen allele CA405690210.

ClinVar aggregate classification (germline): Uncertain significance. Review status: criteria provided, multiple submitters, no conflicts (2 of 4 stars). 4 submissions from 4 submitters: Uncertain significance (4). Last evaluated 2025-05-02.

Conditions:
RYR1-related disorder. Also called: RYR1-related condition; RYR1-related disorders. Identifiers: MedGen CN239331.
Inborn genetic diseases. Identifiers: MedGen C0950123, MeSH D030342.
Malignant hyperthermia, susceptibility to, 1 (MHS1). Also called: RYR1-Related Malignant Hyperthermia Susceptibility; Anesthesia related hyperthermia; Malignant hyperpyrexia; Fulminating hyperpyrexia; Pharmacogenic myopathy; Malignant hyperthermia suceptibility 1. Identifiers: Orphanet 423, MedGen C2930980, MONDO:0007783, OMIM 145600.

Allele frequency attached by ClinVar (database versions not stated): gnomAD exomes below 0.00001; TOPMed below 0.00001.
gnomAD v4.1: 3 of 1,613,980 alleles (0.00019%); highest among the groups gnomAD compares: Non-Finnish European, 0.00017%; no homozygotes.

Submissions (4):

Labcorp Genetics (formerly Invitae), Labcorp
Classification: Uncertain significance for RYR1-related disorder. Last evaluated: 2025-05-02. Review status: criteria provided, single submitter. Criteria: Invitae Variant Classification Sherloc (09022015). Collection method: clinical testing. Allele origin: germline.
Comment: This sequence change replaces valine, which is neutral and non-polar, with methionine, which is neutral and non-polar, at codon 4890 of the RYR1 protein (p.Val4890Met). This variant is not present in population databases (gnomAD no frequency). This variant has not been reported in the literature in individuals affected with RYR1-related conditions. ClinVar contains an entry for this variant (Variation ID: 3070173). Invitae Evidence Modeling of protein sequence and biophysical properties (such as structural, functional, and spatial information, amino acid conservation, physicochemical variation, residue mobility, and thermodynamic stability) indicates that this missense variant is expected to disrupt RYR1 protein function with a positive predictive value of 80%. In summary, the available evidence is currently insufficient to determine the role of this variant in disease. Therefore, it has been classified as a Variant of Uncertain Significance.

Ambry Genetics
Classification: Uncertain significance for Inborn genetic diseases. Last evaluated: 2024-11-29. Review status: criteria provided, single submitter. Criteria: Ambry Variant Classification Scheme 2023. Collection method: clinical testing. Allele origin: germline.

All of Us Research Program, National Institutes of Health
Classification: Uncertain significance for Malignant hyperthermia, susceptibility to, 1. Last evaluated: 2023-12-18. Review status: criteria provided, single submitter. Criteria: ACMG Guidelines, 2015. Collection method: clinical testing. Allele origin: germline. Inheritance: Autosomal dominant inheritance. Observed: 2 variant alleles, 2 heterozygotes.
Comment: This missense variant replaces valine with methionine at codon 4890 of the RYR1 protein. Computational prediction suggests that this variant may have deleterious impact on protein structure and function (internally defined REVEL score threshold >= 0.7, PMID: 27666373). To our knowledge, functional studies have not been reported for this variant. This variant has not been reported in individuals affected with RYR1-related disorders in the literature. This variant has not been identified in the general population by the Genome Aggregation Database (gnomAD). The available evidence is insufficient to determine the role of this variant in disease conclusively. Therefore, this variant is classified as a Variant of Uncertain Significance.

This study involves interpretation of variants in research participants for the purpose of population health screening. Participant phenotype was not available at the time of variant classification. Additional details can be found in publication PMID: 35346344, PMCID: PMC8962531

Color Diagnostics, LLC DBA Color Health
Classification: Uncertain significance for Malignant hyperthermia, susceptibility to, 1. Last evaluated: 2023-11-29. Review status: criteria provided, single submitter. Criteria: ACMG Guidelines, 2015. Collection method: clinical testing. Allele origin: germline.
Comment: This missense variant replaces valine with methionine at codon 4890 of the RYR1 protein. Computational prediction suggests that this variant may have deleterious impact on protein structure and function. To our knowledge, functional studies have not been reported for this variant. This variant has not been reported in individuals affected with RYR1-related disorders in the literature. This variant has not been identified in the general population by the Genome Aggregation Database (gnomAD). The available evidence is insufficient to determine the role of this variant in disease conclusively. Therefore, this variant is classified as a Variant of Uncertain Significance.